The following is an entry in ClinVar:

ClinVar aggregate classification (germline): Likely benign (0 of 4 stars; one submission).

Conditions:
ULK4-related disorder. Also called: ULK4-related condition.

Submission:

PreventionGenetics, part of Exact Sciences
Classification: Likely benign for ULK4-related condition. Last evaluated: 2024-04-08. Review status: no assertion criteria provided. Collection method: clinical testing. Allele origin: germline.
Comment: This variant is classified as likely benign based on ACMG/AMP sequence variant interpretation guidelines (Richards et al. 2015 PMID: 25741868, with internal and published modifications).

NM_017886.4(ULK4):c.2687-10_2687-9del

Gene: ULK4 (unc-51 like kinase 4; minus strand). Cytogenetic location: 3p22.1.
Variant type: Deletion.
Coding change: c.2687-10_2687-9del on transcript NM_017886.4 (MANE Select); 10 bases into the intron before coding-DNA position 2687 through 9 bases into the intron before coding-DNA position 2687, 2 bases deleted (GT; older notation c.2687-10_2687-9delGT).
Molecular consequence: intron variant.
Genome position (GRCh38, 1-based): chr3:41,705,160-41,705,161, AC deleted on the plus strand (GT on the coding strand, the reverse complement: ULK4 is on the minus strand); deleting any 2 consecutive bases within chr3:41,705,160-41,705,162 gives the same sequence; the c. name uses the placement nearest the transcript's 3' end. VCF-style (leftmost placement, unchanged base first): chr3-41705159-TAC-T. GRCh37 (hg19) VCF-style: chr3-41746651-TAC-T.
Other names: c.1781-10_1781-9del (NM_001322501.2); c.2687-10_2687-9del (NM_001322500.2).
Identifiers: ClinVar variation 3345125 (VCV003345125.1).